The following is an entry in ClinVar:

NM_001394531.1(WDFY4):c.9284T>C (p.Met3095Thr)

Gene: WDFY4 (WDFY family member 4; plus strand). Cytogenetic location: 10q11.23.
Variant type: single nucleotide variant.
Coding change: c.9284T>C on transcript NM_001394531.1 (MANE Select); coding-DNA position 9284, T replaced by C.
Protein change: p.Met3095Thr; replaces methionine 3095 with threonine.
Molecular consequence: missense variant.
Genome position (GRCh38, 1-based): chr10:48,976,972, T>C. VCF-style: chr10-48976972-T-C. GRCh37 (hg19) VCF-style: chr10-50185017-T-C.
Other names: c.9284T>C, p.Met3095Thr (NM_020945.2); short protein forms M3095T.
Identifiers: ClinVar variation 2628665 (VCV002628665.2), dbSNP rs2494564416, ClinGen allele CA376699054.

ClinVar aggregate classification (germline): Uncertain significance (1 of 4 stars; one submission).

Conditions:
WDFY4-related disorder. Also called: WDFY4-related condition.

Allele frequency attached by ClinVar (database versions not stated): gnomAD exomes below 0.00001.
gnomAD v4.1: 2 of 1,466,282 alleles (0.00014%); highest among the groups gnomAD compares: Non-Finnish European, 0.00018%; no homozygotes.

Submission:

PreventionGenetics, part of Exact Sciences
Classification: Uncertain significance for WDFY4-related condition. Last evaluated: 2025-11-05. Review status: criteria provided, single submitter. Criteria: ACMG Guidelines, 2015. Collection method: clinical testing. Allele origin: germline.
Comment: The WDFY4 c.9284T>C variant is predicted to result in the amino acid substitution p.Met3095Thr. To our knowledge, this variant has not been reported in the literature or in a large population database (gnomAD), indicating this variant is rare. At this time, the clinical significance of this variant is uncertain due to the absence of conclusive functional and genetic evidence.